The following is an entry in ClinVar:

ClinVar aggregate classification (germline): Uncertain significance (0 of 4 stars; one submission).

Conditions:
CDK16-related disorder. Also called: CDK16-related condition.

Submission:

PreventionGenetics, part of Exact Sciences
Classification: Uncertain significance for CDK16-related condition. Last evaluated: 2023-11-21. Review status: no assertion criteria provided. Collection method: clinical testing. Allele origin: germline.
Comment: The CDK16 c.1397A>T variant is predicted to result in the amino acid substitution p.Asn466Ile. To our knowledge, this variant has not been reported in the literature or in a large population database, indicating this variant is rare. At this time, the clinical significance of this variant is uncertain due to the absence of conclusive functional and genetic evidence.

NM_006201.5(CDK16):c.1175A>T (p.Asn392Ile)

Gene: CDK16 (cyclin dependent kinase 16; plus strand). Cytogenetic location: Xp11.3.
Variant type: single nucleotide variant.
Coding change: c.1175A>T on transcript NM_006201.5 (MANE Select); coding-DNA position 1175, A replaced by T.
Protein change: p.Asn392Ile; replaces asparagine 392 with isoleucine.
Molecular consequence: missense variant.
Genome position (GRCh38, 1-based): chrX:47,227,033, A>T. VCF-style: chrX-47227033-A-T. GRCh37 (hg19) VCF-style: chrX-47086432-A-T.
Other names: c.1397A>T, p.Asn466Ile (NM_001170460.2); c.1193A>T, p.Asn398Ile (NM_033018.4); short protein forms N392I, N398I, N466I.
Identifiers: ClinVar variation 3054955 (VCV003054955.2), dbSNP rs2521840145, ClinGen allele CA412821030.